The following is an entry in ClinVar:

NM_000166.6(GJB1):c.719C>T (p.Ser240Leu)

Gene: GJB1 (gap junction protein beta 1; plus strand). Cytogenetic location: Xq13.1.
Variant type: single nucleotide variant.
Coding change: c.719C>T on transcript NM_000166.6 (MANE Select); coding-DNA position 719, C replaced by T.
Protein change: p.Ser240Leu; replaces serine 240 with leucine.
Molecular consequence: missense variant.
Genome position (GRCh38, 1-based): chrX:71,224,426, C>T. VCF-style: chrX-71224426-C-T. GRCh37 (hg19) VCF-style: chrX-70444276-C-T.
Other names: c.719C>T, p.Ser240Leu (NM_001097642.3); short protein forms S240L.
Identifiers: ClinVar variation 1488973 (VCV001488973.6), dbSNP rs2147947212, ClinGen allele CA413503701.

ClinVar aggregate classification (germline): Uncertain significance (1 of 4 stars; one submission).

Conditions:
Charcot-Marie-Tooth Neuropathy X. Identifiers: MedGen CN118851.

Submission:

Labcorp Genetics (formerly Invitae), Labcorp
Classification: Uncertain significance for Charcot-Marie-Tooth Neuropathy X. Last evaluated: 2022-08-22. Review status: criteria provided, single submitter. Criteria: Invitae Variant Classification Sherloc (09022015). Collection method: clinical testing. Allele origin: germline.
Comment: This variant has not been reported in the literature in individuals affected with GJB1-related conditions. In summary, the available evidence is currently insufficient to determine the role of this variant in disease. Therefore, it has been classified as a Variant of Uncertain Significance. Algorithms developed to predict the effect of missense changes on protein structure and function are either unavailable or do not agree on the potential impact of this missense change (SIFT: "Deleterious"; PolyPhen-2: "Possibly Damaging"; Align-GVGD: "Class C0"). ClinVar contains an entry for this variant (Variation ID: 1488973). This variant is not present in population databases (gnomAD no frequency). This sequence change replaces serine, which is neutral and polar, with leucine, which is neutral and non-polar, at codon 240 of the GJB1 protein (p.Ser240Leu).